The following is an entry in ClinVar:

NM_000218.3(KCNQ1):c.919G>C (p.Val307Leu)

Gene: KCNQ1 (potassium voltage-gated channel subfamily Q member 1; plus strand). Cytogenetic location: 11p15.5.
Variant type: single nucleotide variant.
Coding change: c.919G>C on transcript NM_000218.3 (MANE Select); coding-DNA position 919, G replaced by C.
Protein change: p.Val307Leu; replaces valine 307 with leucine.
Molecular consequence: missense variant.
Genome position (GRCh38, 1-based): chr11:2,572,984, G>C. VCF-style: chr11-2572984-G-C. GRCh37 (hg19) VCF-style: chr11-2594214-G-C.
Other names: c.919G>C (LRG_287t1); c.919G>C, p.Val307Leu (NM_001406836.1); c.649G>C, p.Val217Leu (NM_001406837.1); c.538G>C, p.Val180Leu (NM_181798.2); short protein forms V307L, V180L, V217L.
Identifiers: ClinVar variation 3148 (VCV000003148.4), dbSNP rs120074195, ClinGen allele CA008654.
Genomic context (GRCh38, chr11:2,572,984, plus strand): 5'-GCGGTGAACGAGTCAGGCCGCGTGGAGTTCGGCAGCTACGCAGATGCGCTGTGGTGGGGG[G>C]TGGTAAGTCGGAAACTTCCAGGCATGGGGACAGGGGCAGCTCAGGCTGAGGAGTGGGCAG-3'
Protein context (NP_000209.2, residues 297-317): GSYADALWWG[Val307Leu]VTVTTIGYGD

ClinVar aggregate classification (germline): Uncertain significance. Review status: criteria provided, single submitter (1 of 4 stars). 3 submissions from 3 submitters: Uncertain significance (1). 2 of the submissions do not count toward it. Last evaluated 2023-09-05.

Conditions:
Short QT syndrome. Also called: Familial short QT syndrome. Identifiers: Orphanet 51083, MedGen C2348199, MONDO:0000453.
Long QT syndrome (LQTS). Identifiers: MedGen C0023976, MeSH D008133, MONDO:0002442. Disease mechanism: loss of function. Inheritance: Various modes of inheritance.
Short QT syndrome type 2. Identifiers: Orphanet 51083, MedGen C1865019, MONDO:0012313, OMIM 609621.

Submissions (3):

All of Us Research Program, National Institutes of Health
Classification: Uncertain significance for Long QT syndrome. Last evaluated: 2023-09-05. Review status: criteria provided, single submitter. Criteria: ACMG Guidelines, 2015. Collection method: clinical testing. Allele origin: germline. Inheritance: Autosomal dominant inheritance. Observed: 1 variant allele, 1 heterozygote.
Comment: This study involves interpretation of variants in research participants for the purpose of population health screening. Participant phenotype was not available at the time of variant classification. Additional details can be found in publication PMID: 35346344, PMCID: PMC8962531

OMIM
Classification: Pathogenic for SHORT QT SYNDROME 2. Last evaluated: 2004-05-25. Review status: no assertion criteria provided. Collection method: literature only. Allele origin: germline. Not counted in ClinVar's aggregate classification.

Cardiovascular Biomedical Research Unit, Royal Brompton & Harefield NHS Foundation Trust
No classification provided. Condition: Short QT syndrome. Review status: no classification provided. Collection method: literature only. Allele origin: germline. Not counted in ClinVar's aggregate classification.
Comment: This variant has been reported as associated with Short QT syndrome in the following publications (PMID:15159330;PMID:20436212;PMID:15051636;PMID:11278406). This is a literature report, and does not necessarily reflect the clinical interpretation of the Imperial College / Royal Brompton Cardiovascular Genetics laboratory.

Literature cited by the submitters: PubMed 15159330 (cited by OMIM and Cardiovascular Biomedical Research Unit, Royal Brompton & Harefield NHS Foundation Trust); PubMed 20436212 (cited by Cardiovascular Biomedical Research Unit, Royal Brompton & Harefield NHS Foundation Trust); PubMed 15051636 (cited by Cardiovascular Biomedical Research Unit, Royal Brompton & Harefield NHS Foundation Trust); PubMed 11278406 (cited by Cardiovascular Biomedical Research Unit, Royal Brompton & Harefield NHS Foundation Trust); PubMed 22581653 (cited by Cardiovascular Biomedical Research Unit, Royal Brompton & Harefield NHS Foundation Trust).